The following is an entry in ClinVar:

ClinVar aggregate classification (germline): Likely benign. Review status: criteria provided, multiple submitters, no conflicts (2 of 4 stars). 3 submissions from 3 submitters: Likely benign (3). Last evaluated 2026-04-01.

Conditions:
Autosomal recessive ataxia, Beauce type. Also called: ATAXIA, RECESSIVE, OF BEAUCE; SYNE1-Related Autosomal Recessive Cerebellar Ataxia; Spinocerebellar ataxia, autosomal recessive 8; SYNE1 Deficiency. Identifiers: Orphanet 88644, MedGen C1853116, MONDO:0012549, OMIM 610743.
Emery-Dreifuss muscular dystrophy 4, autosomal dominant (EDMD4). Also called: EMERY-DREIFUSS MUSCULAR DYSTROPHY 4 WITH VARIABLE FEATURES. Identifiers: Orphanet 261, MedGen C2751807, MONDO:0013071, OMIM 612998.

Allele frequency attached by ClinVar (database versions not stated): ExAC 0.00002; gnomAD 0.00002; TOPMed 0.00002; gnomAD exomes 0.00003.
gnomAD v4.1: 17 of 1,613,842 alleles (0.0011%); highest among the groups gnomAD compares: East Asian, 0.0022%; no homozygotes.

Submissions (3):

CeGaT Center for Human Genetics Tuebingen
Classification: Likely benign. Last evaluated: 2026-04-01. Review status: criteria provided, single submitter. Criteria: CeGaT Center For Human Genetics Tuebingen Variant Classification Criteria Version 2. Collection method: clinical testing. Allele origin: germline. Affected: yes. Observed: 1 variant allele.
Comment: SYNE1: BP4, BP7

Labcorp Genetics (formerly Invitae), Labcorp
Classification: Likely benign for Emery-Dreifuss muscular dystrophy 4, autosomal dominant; Autosomal recessive ataxia, Beauce type. Last evaluated: 2024-10-24. Review status: criteria provided, single submitter. Criteria: Invitae Variant Classification Sherloc (09022015). Collection method: clinical testing. Allele origin: germline.

Blueprint Genetics
Classification: Likely benign. Last evaluated: 2024-07-19. Review status: criteria provided, single submitter. Criteria: ACMG Guidelines, 2015. Collection method: clinical testing. Allele origin: germline.

NM_182961.4(SYNE1):c.4821C>T (p.Ser1607=)

Gene: SYNE1 (spectrin repeat containing nuclear envelope protein 1; minus strand). Cytogenetic location: 6q25.2.
Variant type: single nucleotide variant.
Coding change: c.4821C>T on transcript NM_182961.4 (MANE Select); coding-DNA position 4821, C replaced by T.
Protein change: p.Ser1607=; no amino-acid change (serine 1607 retained).
Molecular consequence: synonymous variant.
Genome position (GRCh38, 1-based): chr6:152,428,360, G>A on the plus strand (C>T on the coding strand, the complement: SYNE1 is on the minus strand). VCF-style: chr6-152428360-G-A. GRCh37 (hg19) VCF-style: chr6-152749495-G-A.
Other names: c.4842C>T, p.Ser1614= (NM_033071.5).
Identifiers: ClinVar variation 1596711 (VCV001596711.11), dbSNP rs754445939, ClinGen allele CA4058443.